The following is an entry in ClinVar:

NM_000297.4(PKD2):c.2614C>G (p.Arg872Gly)

Gene: PKD2 (polycystin 2, transient receptor potential cation channel; plus strand). Cytogenetic location: 4q22.1.
Variant type: single nucleotide variant.
Coding change: c.2614C>G on transcript NM_000297.4 (MANE Select); coding-DNA position 2614, C replaced by G.
Protein change: p.Arg872Gly; replaces arginine 872 with glycine.
Molecular consequence: missense variant. On other transcripts: non-coding transcript variant (1).
Genome position (GRCh38, 1-based): chr4:88,074,903, C>G. VCF-style: chr4-88074903-C-G. GRCh37 (hg19) VCF-style: chr4-88996055-C-G.
Other names: short protein forms R872G.
Identifiers: ClinVar variation 1060358 (VCV001060358.9), dbSNP rs755226061, ClinGen allele CA3004303.

ClinVar aggregate classification (germline): Uncertain significance. Review status: criteria provided, multiple submitters, no conflicts (2 of 4 stars). 2 submissions from 2 submitters: Uncertain significance (2). Last evaluated 2025-06-02.

Conditions:
Autosomal dominant polycystic kidney disease. Identifiers: Orphanet 730, MedGen C0085413, MONDO:0004691.
Polycystic kidney disease 2 (PKD2). Also called: Polycystic Kidney Disease 2, Autosomal Dominant; POLYCYSTIC KIDNEY DISEASE 2 WITH OR WITHOUT POLYCYSTIC LIVER DISEASE; POLYCYSTIC KIDNEY DISEASE, ADULT, TYPE II. Identifiers: MedGen C2751306, MONDO:0013131, OMIM 613095.

gnomAD v4.1: 42 of 1,613,922 alleles (0.0026%); highest among the groups gnomAD compares: Non-Finnish European, 0.0034%; no homozygotes.

Submissions (2):

Labcorp Genetics (formerly Invitae), Labcorp
Classification: Uncertain significance for Autosomal dominant polycystic kidney disease. Last evaluated: 2025-06-02. Review status: criteria provided, single submitter. Criteria: Invitae Variant Classification Sherloc (09022015). Collection method: clinical testing. Allele origin: germline.
Comment: This sequence change replaces arginine, which is basic and polar, with glycine, which is neutral and non-polar, at codon 872 of the PKD2 protein (p.Arg872Gly). This variant is present in population databases (rs755226061, gnomAD 0.009%). This missense change has been observed in individual(s) with clinical features of polycystic kidney disease (PMID: 23300259, 32457805). ClinVar contains an entry for this variant (Variation ID: 1060358). Invitae Evidence Modeling of protein sequence and biophysical properties (such as structural, functional, and spatial information, amino acid conservation, physicochemical variation, residue mobility, and thermodynamic stability) indicates that this missense variant is not expected to disrupt PKD2 protein function with a negative predictive value of 80%. In summary, the available evidence is currently insufficient to determine the role of this variant in disease. Therefore, it has been classified as a Variant of Uncertain Significance.

Fulgent Genetics
Classification: Uncertain significance for Polycystic kidney disease 2. Last evaluated: 2024-05-17. Review status: criteria provided, single submitter. Criteria: ACMG Guidelines, 2015. Collection method: clinical testing. Allele origin: germline.

Literature cited by the submitters: PubMed 23300259 (cited by Labcorp Genetics (formerly Invitae), Labcorp); PubMed 32457805 (cited by Labcorp Genetics (formerly Invitae), Labcorp).